The following is an entry in ClinVar:

NM_001367721.1(CASK):c.543_548delinsTCCTACATAAATGACGTAGGTG (p.Thr182_Pro183delinsProThrTer)

Gene: CASK (calcium/calmodulin dependent serine protein kinase; minus strand). Cytogenetic location: Xp11.4.
Variant type: Indel.
Coding change: c.543_548delinsTCCTACATAAATGACGTAGGTG on transcript NM_001367721.1 (MANE Select); coding-DNA positions 543 to 548, AACACC replaced by TCCTACATAAATGACGTAGGTG.
Protein change: p.Thr182_Pro183delinsProThrTer.
Molecular consequence: nonsense. On other transcripts: frameshift variant (4).
Genome position (GRCh38, 1-based): chrX:41,665,437-41,665,442, GGTGTT replaced by CACCTACGTCATTTATGTAGGA on the plus strand (AACACC replaced by TCCTACATAAATGACGTAGGTG on the coding strand, the reverse complement: CASK is on the minus strand). VCF-style: chrX-41665437-GGTGTT-CACCTACGTCATTTATGTAGGA. GRCh37 (hg19) VCF-style: chrX-41524690-GGTGTT-CACCTACGTCATTTATGTAGGA.
Other names: c.543_548delAACACCinsTCCTACATAAATGACGTAGGTG (NM_003688.3); c.543_548delAACACCinsTCCTACATAAATGACGTAGGTG, p.Thr182Profs (NM_001126054.3, NM_001126055.3, NM_001410745.1 and 1 more transcripts).
Identifiers: ClinVar variation 817203 (VCV000817203.1), dbSNP rs1602431663, ClinGen allele CA915950943.
Genomic context (GRCh38, chrX:41,665,437, plus strand): 5'-CAGACGTCTACAGGCTTTCCGTAAGGCTCTCTTTTGACCACTTCTGGTGCCATAAAATGA[GGTGTT>CACCTACGTCATTTATGTAGGA]CCAACACGTCCTACATTTAAAACAACATTAAGGAAAAATGTTTACATAAAATGGGATTTT-3'

ClinVar aggregate classification (germline): Pathogenic (1 of 4 stars; one submission).

Submission:

GeneDx
Classification: Pathogenic. Last evaluated: 2018-08-16. Review status: criteria provided, single submitter. Criteria: GeneDx Variant Classification (06012015). Collection method: clinical testing. Allele origin: germline. Affected: yes.
Comment: The c.543_548delAACACCins22 variant in the CASK gene has not been reported previously as a pathogenic variant nor as a benign variant, to our knowledge. The c.543_548delAACACCins22 variant causes a frameshift starting with codon Threonine 182, changes this amino acid to a Proline residue, and creates a premature Stop codon at position 3 of the new reading frame, denoted p.Thr182ProfsX3. This variant is predicted to cause loss of normal protein function either through protein truncation or nonsense-mediated mRNA decay. The c.543_548delAACACCins22 variant is not observed in large population cohorts (Lek et al., 2016). We interpret c.543_548delAACACCins22 as a pathogenic variant